The following is an entry in ClinVar:

ClinVar aggregate classification (germline): Uncertain significance. Review status: criteria provided, multiple submitters, no conflicts (2 of 4 stars). 2 submissions from 2 submitters: Uncertain significance (2). Last evaluated 2025-04-22.

Conditions:
Cardiovascular phenotype. Identifiers: MedGen CN230736.
RASopathy. Also called: Noonan spectrum disorder; rasopathies. Identifiers: Orphanet 536391, MedGen C5555857, MONDO:0021060.

Allele frequency attached by ClinVar (database versions not stated): gnomAD exomes below 0.00001.
gnomAD v4.1: 6 of 1,613,584 alleles (0.00037%); highest among the groups gnomAD compares: South Asian, 0.0022%; no homozygotes.

Submissions (2):

Ambry Genetics
Classification: Uncertain significance for Cardiovascular phenotype. Last evaluated: 2025-04-22. Review status: criteria provided, single submitter. Criteria: Ambry Variant Classification Scheme 2023. Collection method: clinical testing. Allele origin: germline.

Labcorp Genetics (formerly Invitae), Labcorp
Classification: Uncertain significance for RASopathy. Last evaluated: 2024-04-05. Review status: criteria provided, single submitter. Criteria: Invitae Variant Classification Sherloc (09022015). Collection method: clinical testing. Allele origin: germline.
Comment: This sequence change replaces arginine, which is basic and polar, with glutamine, which is neutral and polar, at codon 366 of the SHOC2 protein (p.Arg366Gln). This variant is present in population databases (no rsID available, gnomAD 0.003%). This variant has not been reported in the literature in individuals affected with SHOC2-related conditions. ClinVar contains an entry for this variant (Variation ID: 1493445). Advanced modeling of protein sequence and biophysical properties (such as structural, functional, and spatial information, amino acid conservation, physicochemical variation, residue mobility, and thermodynamic stability) performed at Invitae indicates that this missense variant is not expected to disrupt SHOC2 protein function with a negative predictive value of 80%. In summary, the available evidence is currently insufficient to determine the role of this variant in disease. Therefore, it has been classified as a Variant of Uncertain Significance.

NM_007373.4(SHOC2):c.1097G>A (p.Arg366Gln)

Gene: SHOC2 (SHOC2 leucine rich repeat scaffold protein; plus strand). Cytogenetic location: 10q25.2.
Variant type: single nucleotide variant.
Coding change: c.1097G>A on transcript NM_007373.4 (MANE Select); coding-DNA position 1097, G replaced by A.
Protein change: p.Arg366Gln; replaces arginine 366 with glutamine.
Molecular consequence: missense variant. On other transcripts: non-coding transcript variant (1).
Genome position (GRCh38, 1-based): chr10:111,004,730, G>A. VCF-style: chr10-111004730-G-A. GRCh37 (hg19) VCF-style: chr10-112764488-G-A.
Other names: c.959G>A, p.Arg320Gln (NM_001269039.3); c.1097G>A, p.Arg366Gln (NM_001324336.2, NM_001324337.2); c.1097G>A (NM_007373.3); short protein forms R366Q, R320Q.
Identifiers: ClinVar variation 1493445 (VCV001493445.7), dbSNP rs1219277268, ClinGen allele CA378523132.